The following is an entry in ClinVar:

NM_001557.4(CXCR2):c.1035G>C (p.Arg345Ser)

Gene: CXCR2 (C-X-C motif chemokine receptor 2; plus strand). Cytogenetic location: 2q35.
Variant type: single nucleotide variant.
Coding change: c.1035G>C on transcript NM_001557.4 (MANE Select); coding-DNA position 1035, G replaced by C.
Protein change: p.Arg345Ser; replaces arginine 345 with serine.
Molecular consequence: missense variant.
Genome position (GRCh38, 1-based): chr2:218,135,836, G>C. VCF-style: chr2-218135836-G-C. GRCh37 (hg19) VCF-style: chr2-219000559-G-C.
Other names: c.1035G>C, p.Arg345Ser (NM_001168298.2); short protein forms R345S.
Identifiers: ClinVar variation 1383684 (VCV001383684.6), dbSNP rs989505635, ClinGen allele CA350532741.

ClinVar aggregate classification (germline): Uncertain significance (1 of 4 stars; one submission).

Submission:

Labcorp Genetics (formerly Invitae), Labcorp
Classification: Uncertain significance. Last evaluated: 2021-06-28. Review status: criteria provided, single submitter. Criteria: Invitae Variant Classification Sherloc (09022015). Collection method: clinical testing. Allele origin: germline.
Comment: This sequence change replaces arginine with serine at codon 345 of the CXCR2 protein (p.Arg345Ser). The arginine residue is moderately conserved and there is a moderate physicochemical difference between arginine and serine. This variant is not present in population databases (ExAC no frequency). This variant has not been reported in the literature in individuals with CXCR2-related conditions. Algorithms developed to predict the effect of missense changes on protein structure and function (SIFT, PolyPhen-2, Align-GVGD) all suggest that this variant is likely to be tolerated, but these predictions have not been confirmed by published functional studies and their clinical significance is uncertain. In summary, the available evidence is currently insufficient to determine the role of this variant in disease. Therefore, it has been classified as a Variant of Uncertain Significance.